The following is an entry in ClinVar:

ClinVar aggregate classification (germline): Uncertain significance (1 of 4 stars; one submission).

gnomAD v4.1: 1 of 1,612,806 alleles (0.000062%); no homozygotes.

Submission:

Labcorp Genetics (formerly Invitae), Labcorp
Classification: Uncertain significance. Last evaluated: 2024-10-25. Review status: criteria provided, single submitter. Criteria: Invitae Variant Classification Sherloc (09022015). Collection method: clinical testing. Allele origin: germline.
Comment: This sequence change replaces phenylalanine, which is neutral and non-polar, with leucine, which is neutral and non-polar, at codon 252 of the SLITRK6 protein (p.Phe252Leu). This variant is not present in population databases (gnomAD no frequency). This variant has not been reported in the literature in individuals affected with SLITRK6-related conditions. ClinVar contains an entry for this variant (Variation ID: 1433142). An algorithm developed to predict the effect of missense changes on protein structure and function outputs the following: PolyPhen-2: "Benign". The leucine amino acid residue is found in multiple mammalian species, which suggests that this missense change does not adversely affect protein function. In summary, the available evidence is currently insufficient to determine the role of this variant in disease. Therefore, it has been classified as a Variant of Uncertain Significance.

NM_032229.3(SLITRK6):c.754T>C (p.Phe252Leu)

Gene: SLITRK6 (SLIT and NTRK like family member 6; minus strand). Cytogenetic location: 13q31.1.
Variant type: single nucleotide variant.
Coding change: c.754T>C on transcript NM_032229.3 (MANE Select); coding-DNA position 754, T replaced by C.
Protein change: p.Phe252Leu; replaces phenylalanine 252 with leucine.
Molecular consequence: missense variant.
Genome position (GRCh38, 1-based): chr13:85,795,755, A>G on the plus strand (T>C on the coding strand, the complement: SLITRK6 is on the minus strand). VCF-style: chr13-85795755-A-G. GRCh37 (hg19) VCF-style: chr13-86369890-A-G.
Other names: short protein forms F252L.
Identifiers: ClinVar variation 1433142 (VCV001433142.6), dbSNP rs1874699256, ClinGen allele CA388379819.
Genomic context (GRCh38, chr13:85,795,755, plus strand): 5'-CTGGTGGAGTAGGGCAAATAGATTCCTTCTTTAGTCTACTGAGTATACTTCCTTTAAAAA[A>G]TGGAGGGCTGTTGCAGACAACATCACCAATTATAGACTGTGGAGGCATGTTCTCCAACCA-3'
Protein context (NP_115605.2, residues 242-262): IGDVVCNSPP[Phe252Leu]FKGSILSRLK